The following is an entry in ClinVar:

NM_001292063.2(OTOG):c.6755A>G (p.Asp2252Gly)

Gene: OTOG (otogelin; plus strand). Cytogenetic location: 11p15.1.
Variant type: single nucleotide variant.
Coding change: c.6755A>G on transcript NM_001292063.2 (MANE Select); coding-DNA position 6755, A replaced by G.
Protein change: p.Asp2252Gly; replaces aspartic acid 2252 with glycine.
Molecular consequence: missense variant.
Genome position (GRCh38, 1-based): chr11:17,631,744, A>G. VCF-style: chr11-17631744-A-G. GRCh37 (hg19) VCF-style: chr11-17653291-A-G.
Other names: c.6791A>G, p.Asp2264Gly (NM_001277269.2); short protein forms D2252G, D2264G.
Identifiers: ClinVar variation 3903314 (VCV003903314.1).

ClinVar aggregate classification (germline): Uncertain significance (1 of 4 stars; one submission).

gnomAD v4.1: 39 of 1,550,454 alleles (0.0025%); highest among the groups gnomAD compares: South Asian, 0.045%; no homozygotes.

Submission:

GeneDx
Classification: Uncertain significance. Last evaluated: 2024-12-11. Review status: criteria provided, single submitter. Criteria: GeneDx Variant Classification Process June 2021. Collection method: clinical testing. Allele origin: germline. Affected: yes.
Comment: In silico analysis supports that this missense variant has a deleterious effect on protein structure/function; Has not been previously published as pathogenic or benign to our knowledge; In silico analysis is inconclusive as to whether the variant alters gene splicing. In the absence of RNA/functional studies, the actual effect of this sequence change is unknown.